The following is an entry in ClinVar:

ClinVar aggregate classification (germline): Uncertain significance. Review status: criteria provided, single submitter (1 of 4 stars). 2 submissions from 2 submitters: Uncertain significance (1). 1 of the submissions does not count toward it. Last evaluated 2025-02-10.

Conditions:
Neurodevelopmental delay with neutropenia.
NEURODEVELOPMENTAL DISORDER WITH SPASTICITY, HYPOPLASIA OF THE CORPUS CALLOSUM, AND RECURRENT INFECTIONS (NEDSCI). Identifiers: MedGen CN382130, OMIM 621622.

Submissions (2):

Equipe Genetique des Anomalies du Developpement, Université de Bourgogne
Classification: Uncertain significance for Neurodevelopmental delay with neutropenia. Last evaluated: 2025-02-10. Review status: criteria provided, single submitter. Criteria: ACMG Guidelines, 2015. Collection method: clinical testing. Allele origin: biparental. Affected: yes.
Comment: This missense variant c.813C>G present in a homozygous state impacts a preserved amino acid in the WD40 functional domain. In silico prediction scores are in favor of a damaging effect. This variant is not present in a homozygous state in population database gnomAD (v4.1.0). It has not been reported in ClinVar. It has not been reported in literature. Based on the evidence outlined above, the variant was classified as uncertain significance.

OMIM
Classification: Pathogenic for NEURODEVELOPMENTAL DISORDER WITH SPASTICITY, HYPOPLASIA OF THE CORPUS CALLOSUM, AND RECURRENT INFECTIONS. Last evaluated: 2026-06-23. Review status: no assertion criteria provided. Collection method: literature only. Allele origin: germline. Not counted in ClinVar's aggregate classification.

Literature cited by the submitters: PubMed 41058046 (cited by OMIM).

NM_003310.5(EIPR1):c.813C>G (p.His271Gln)

Gene: EIPR1 (EARP complex and GARP complex interacting protein 1; minus strand). Cytogenetic location: 2p25.3.
Variant type: single nucleotide variant.
Coding change: c.813C>G on transcript NM_003310.5 (MANE Select); coding-DNA position 813, C replaced by G.
Protein change: p.His271Gln; replaces histidine 271 with glutamine.
Molecular consequence: missense variant.
Genome position (GRCh38, 1-based): chr2:3,194,007, G>C on the plus strand (C>G on the coding strand, the complement: EIPR1 is on the minus strand). VCF-style: chr2-3194007-G-C. GRCh37 (hg19) VCF-style: chr2-3197778-G-C.
Other names: c.894C>G, p.His298Gln (NM_001330530.3); c.381C>G, p.His127Gln (NM_001330531.3); short protein forms H127Q, H271Q, H298Q.
Identifiers: ClinVar variation 3893188 (VCV003893188.2).